The following is an entry in ClinVar:

ClinVar aggregate classification (germline): Pathogenic (1 of 4 stars; one submission).

Conditions:
Cardiovascular phenotype. Identifiers: MedGen CN230736.

Submission:

Ambry Genetics
Classification: Pathogenic for Cardiovascular phenotype. Last evaluated: 2019-07-05. Review status: criteria provided, single submitter. Criteria: Ambry Variant Classification Scheme 2023. Collection method: clinical testing. Allele origin: germline.
Comment: The c.71_93del23 pathogenic mutation, located in coding exon 2 of the ACVRL1 gene, results from a deletion of 23 nucleotides at nucleotide positions 71 to 93, causing a translational frameshift with a predicted alternate stop codon (p.V24Gfs*6). This alteration is expected to result in loss of function by premature protein truncation or nonsense-mediated mRNA decay. As such, this alteration is interpreted as a disease-causing mutation.

NM_000020.3(ACVRL1):c.71_93del (p.Val24fs)

Gene: ACVRL1 (activin A receptor like type 1; plus strand). Cytogenetic location: 12q13.13.
Variant type: Deletion.
Coding change: c.71_93del on transcript NM_000020.3 (MANE Select); coding-DNA positions 71 to 93, 23 bases deleted (TGAAGCCGTCTCGGGGCCCGCTG).
Protein change: p.Val24fs; shifts the reading frame from valine 24.
Molecular consequence: frameshift variant.
Genome position (GRCh38, 1-based): chr12:51,913,108-51,913,130, TGAAGCCGTCTCGGGGCCCGCTG deleted; deleting any 23 consecutive bases within chr12:51,913,105-51,913,130 gives the same sequence; the c. name uses the placement nearest the transcript's 3' end. VCF-style (leftmost placement, unchanged base first): chr12-51913104-CCTGTGAAGCCGTCTCGGGGCCCG-C. GRCh37 (hg19) VCF-style: chr12-52306888-CCTGTGAAGCCGTCTCGGGGCCCG-C.
Other names: c.71_93del, p.Val24fs (NM_001077401.2); c.71_93del23, p.Val24Glyfs (NM_001406487.1, NM_001406488.1, NM_001406489.1 and 5 more transcripts); short protein forms V24fs.
Identifiers: ClinVar variation 1757184 (VCV001757184.2), dbSNP rs2540158127, ClinGen allele CA2580086423.
Genomic context (GRCh38, chr12:51,913,104, plus strand): 5'-GCTCAGCCTGGGGGAGCTGGGACCACAGTGGCTGAGCTTCCGGTGTGTCTTCCAGGAGAC[CCTGTGAAGCCGTCTCGGGGCCCG>C]CTGGTGACCTGCACGTGTGAGAGCCCACATTGCAAGGGGCCTACCTGCCGGGGGGCCTGG-3'